The following is an entry in ClinVar:

ClinVar aggregate classification (germline): Uncertain significance (1 of 4 stars; one submission).

Conditions:
Hyperekplexia 3 (HKPX3). Also called: HYPEREKPLEXIA 3, AUTOSOMAL RECESSIVE; HYPEREKPLEXIA 3, AUTOSOMAL DOMINANT. Identifiers: Orphanet 3197, MedGen C3553288, MONDO:0013827, OMIM 614618.

Submission:

Labcorp Genetics (formerly Invitae), Labcorp
Classification: Uncertain significance for Hyperekplexia 3. Last evaluated: 2022-06-16. Review status: criteria provided, single submitter. Criteria: Invitae Variant Classification Sherloc (09022015). Collection method: clinical testing. Allele origin: germline.
Comment: This variant, c.738_740del, results in the deletion of 1 amino acid(s) of the SLC6A5 protein (p.Phe246del), but otherwise preserves the integrity of the reading frame. In summary, the available evidence is currently insufficient to determine the role of this variant in disease. Therefore, it has been classified as a Variant of Uncertain Significance. Experimental studies and prediction algorithms are not available or were not evaluated, and the functional significance of this variant is currently unknown. This variant has not been reported in the literature in individuals affected with SLC6A5-related conditions. This variant is present in population databases (no rsID available, gnomAD 0.003%).

NM_004211.5(SLC6A5):c.732CTT[2] (p.Phe246del)

Gene: SLC6A5 (solute carrier family 6 member 5; plus strand). Cytogenetic location: 11p15.1.
Variant type: Microsatellite.
Coding change: c.732CTT[2] on transcript NM_004211.5 (MANE Select); two copies in a row of the 3-base unit CTT starting at c.732; the reference has three copies in a row; one copy, 3 bases deleted.
Protein change: p.Phe246del; deletes phenylalanine 246.
Molecular consequence: inframe deletion.
Genome position (GRCh38, 1-based): chr11:20,607,065-20,607,067, CTT deleted; deleting any 3 consecutive bases within chr11:20,607,058-20,607,067 gives the same sequence; the position shown is the placement nearest the transcript's 3' end. VCF-style (leftmost placement, unchanged base first): chr11-20607057-ATCT-A. GRCh37 (hg19) VCF-style: chr11-20628603-ATCT-A.
Other names: c.30CTT[2], p.Phe12del (NM_001318369.2); short protein forms F12del, F246del.
Identifiers: ClinVar variation 2007465 (VCV002007465.2), dbSNP rs1565272642, ClinGen allele CA597486134.